The following is an entry in ClinVar:

NM_001183.6(ATP6AP1):c.96GGC[5] (p.Ala40_Ala41del)

Gene: ATP6AP1 (ATPase H+ transporting accessory protein 1; plus strand). Cytogenetic location: Xq28.
Variant type: Microsatellite.
Coding change: c.96GGC[5] on transcript NM_001183.6 (MANE Select); five copies in a row of the 3-base unit GGC starting at c.96; the reference has seven copies in a row; two copies, 6 bases deleted.
Protein change: p.Ala40_Ala41del.
Molecular consequence: inframe deletion.
Genome position (GRCh38, 1-based): chrX:154,428,803-154,428,808, GGCGGC deleted; deleting any 6 consecutive bases within chrX:154,428,788-154,428,808 gives the same sequence; the position shown is the placement nearest the transcript's 3' end. VCF-style (leftmost placement, unchanged base first): chrX-154428787-TGGCGGC-T. GRCh37 (hg19) VCF-style: chrX-153657133-TGGCGGC-T.
Identifiers: ClinVar variation 3010597 (VCV003010597.4), dbSNP rs781797236, ClinGen allele CA519279665.
Genomic context (GRCh38, chrX:154,428,787, plus strand): 5'-TGGGGCCGCGGTGCGCCCAGGCGCTCTGGCGCATGCCGTGGCTGCCGGTGTTTTTGTCGT[TGGCGGC>T]GGCGGCGGCGGCGGCAGCGGCGGAGCAGCAGGTCCCGCTGGTGCTGTGGTCGAGTGACCG-3'

ClinVar aggregate classification (germline): Uncertain significance. Review status: criteria provided, multiple submitters, no conflicts (2 of 4 stars). 2 submissions from 2 submitters: Uncertain significance (2). Last evaluated 2023-07-26.

Submissions (2):

Labcorp Genetics (formerly Invitae), Labcorp
Classification: Uncertain significance. Last evaluated: 2023-07-26. Review status: criteria provided, single submitter. Criteria: Invitae Variant Classification Sherloc (09022015). Collection method: clinical testing. Allele origin: germline.
Comment: This variant, c.111_116del, results in the deletion of 2 amino acid(s) of the ATP6AP1 protein (p.Ala40_Ala41del), but otherwise preserves the integrity of the reading frame. The frequency data for this variant in the population databases is considered unreliable, as metrics indicate poor data quality at this position in the gnomAD database. This variant has not been reported in the literature in individuals affected with ATP6AP1-related conditions. Experimental studies and prediction algorithms are not available or were not evaluated, and the functional significance of this variant is currently unknown. In summary, the available evidence is currently insufficient to determine the role of this variant in disease. Therefore, it has been classified as a Variant of Uncertain Significance.

Blueprint Genetics
Classification: Uncertain significance. Last evaluated: 2023-07-10. Review status: criteria provided, single submitter. Criteria: ACMG Guidelines, 2015. Collection method: clinical testing. Allele origin: germline.